The following is an entry in ClinVar:

NM_020207.7(ERCC6L2):c.1891C>G (p.Leu631Val)

Gene: ERCC6L2 (ERCC excision repair 6 like 2; plus strand). Cytogenetic location: 9q22.32.
Variant type: single nucleotide variant.
Coding change: c.1891C>G on transcript NM_020207.7 (MANE Select); coding-DNA position 1891, C replaced by G.
Protein change: p.Leu631Val; replaces leucine 631 with valine.
Molecular consequence: missense variant. On other transcripts: non-coding transcript variant (1).
Genome position (GRCh38, 1-based): chr9:95,955,957, C>G. VCF-style: chr9-95955957-C-G. GRCh37 (hg19) VCF-style: chr9-98718239-C-G.
Other names: c.1891C>G, p.Leu631Val (NM_001010895.4, NM_001375291.1, NM_001375292.1 and 2 more transcripts); short protein forms L631V.
Identifiers: ClinVar variation 4250602 (VCV004250602.1).

ClinVar aggregate classification (germline): Uncertain significance (1 of 4 stars; one submission).

Conditions:
Inborn genetic diseases. Identifiers: MedGen C0950123, MeSH D030342.

gnomAD v4.1: 2 of 1,608,150 alleles (0.00012%); highest among the groups gnomAD compares: Admixed American, 0.0017%; no homozygotes.

Submission:

Ambry Genetics
Classification: Uncertain significance for Inborn genetic diseases. Last evaluated: 2025-07-28. Review status: criteria provided, single submitter. Criteria: Ambry Variant Classification Scheme 2023. Collection method: clinical testing. Allele origin: germline.
Comment: The p.L631V variant (also known as c.1891C>G), located in coding exon 13 of the ERCC6L2 gene, results from a C to G substitution at nucleotide position 1891. The leucine at codon 631 is replaced by valine, an amino acid with highly similar properties. This amino acid position is conserved. In addition, the in silico prediction for this alteration is inconclusive. Based on the available evidence, the clinical significance of this variant remains unclear.